The following is an entry in ClinVar:

NC_012920.1(MT-TT):m.15939C>T

Gene: MT-TT (mitochondrially encoded tRNA threonine; plus strand).
Variant type: single nucleotide variant.
Genome position: chrM-15939-C-T.
Identifiers: ClinVar variation 690249 (VCV000690249.1), dbSNP rs878981265, ClinGen allele CA337100595.

ClinVar aggregate classification (germline): Benign (1 of 4 stars; one submission).

Conditions:
MELAS syndrome (MELAS). Also called: Juvenile myopathy, encephalopathy, lactic acidosis, stroke. Identifiers: Orphanet 550, MedGen C0162671, MONDO:0010789, OMIM 540000.

Submission:

Wong Mito Lab, Molecular and Human Genetics, Baylor College of Medicine
Classification: Benign for MELAS syndrome. Last evaluated: 2019-07-12. Review status: criteria provided, single submitter. Criteria: Modified ACMG Guidelines (Unpublished). Collection method: clinical testing. Allele origin: germline.
Comment: The NC_012920.1:m.15939C>T variant in MT-TT gene is interpreted to be a Benign variant based on the modified ACMG guidelines (unpublished). This variant meets the following evidence codes reported in the guidelines: BS1, BS2, BP4

Literature cited by the submitters: PubMed 31965079.